The following is an entry in ClinVar:

NM_005045.4(RELN):c.5011G>C (p.Gly1671Arg)

Gene: RELN (reelin; minus strand). Cytogenetic location: 7q22.1.
Variant type: single nucleotide variant.
Coding change: c.5011G>C on transcript NM_005045.4 (MANE Select); coding-DNA position 5011, G replaced by C.
Protein change: p.Gly1671Arg; replaces glycine 1671 with arginine.
Molecular consequence: missense variant.
Genome position (GRCh38, 1-based): chr7:103,565,477, C>G on the plus strand (G>C on the coding strand, the complement: RELN is on the minus strand). VCF-style: chr7-103565477-C-G. GRCh37 (hg19) VCF-style: chr7-103205924-C-G.
Other names: c.5011G>C, p.Gly1671Arg (NM_173054.3); short protein forms G1671R.
Identifiers: ClinVar variation 1514461 (VCV001514461.33), dbSNP rs939943472, ClinGen allele CA163913534.

ClinVar aggregate classification (germline): Conflicting classifications of pathogenicity. Review status: criteria provided, conflicting classifications (1 of 4 stars). 2 submissions from 2 submitters: Uncertain significance (1); Likely benign (1). Last evaluated 2025-12-01.

Conditions:
Familial temporal lobe epilepsy 7. Identifiers: Orphanet 101046, MedGen C4225327, MONDO:0014639, OMIM 616436.
Norman-Roberts syndrome (LIS2). Also called: Lissencephaly 2 (Norman-Roberts type). Identifiers: Orphanet 89844, MedGen C0796089, MONDO:0009760, OMIM 257320.

Allele frequency attached by ClinVar (database versions not stated): TOPMed below 0.00001.
gnomAD v4.1: 4 of 1,613,658 alleles (0.00025%); highest among the groups gnomAD compares: East Asian, 0.0022%; no homozygotes.

Submissions (2):

CeGaT Center for Human Genetics Tuebingen
Classification: Uncertain significance. Last evaluated: 2025-12-01. Review status: criteria provided, single submitter. Criteria: CeGaT Center For Human Genetics Tuebingen Variant Classification Criteria Version 2. Collection method: clinical testing. Allele origin: germline. Affected: yes. Observed: 2 variant alleles.
Comment: RELN: PM2

Labcorp Genetics (formerly Invitae), Labcorp
Classification: Likely benign for Familial temporal lobe epilepsy 7; Norman-Roberts syndrome. Last evaluated: 2022-11-01. Review status: criteria provided, single submitter. Criteria: Invitae Variant Classification Sherloc (09022015). Collection method: clinical testing. Allele origin: germline.